The following is an entry in ClinVar:

ClinVar aggregate classification (germline): Likely pathogenic (1 of 4 stars; one submission).

Conditions:
Hereditary cancer-predisposing syndrome. Also called: Tumor predisposition; Hereditary neoplastic syndrome; Neoplastic Syndromes, Hereditary; Hereditary Cancer Syndrome. Identifiers: Orphanet 140162, MedGen C0027672, MeSH D009386, MONDO:0015356.

Allele frequency attached by ClinVar (database versions not stated): gnomAD 0.00001.
gnomAD v4.1: 1 of 1,597,186 alleles (0.000063%); highest among the groups gnomAD compares: Non-Finnish European, 0.000085%; no homozygotes.

Submissions (2):

Ambry Genetics
Classification: Likely pathogenic for Hereditary cancer-predisposing syndrome. Last evaluated: 2024-10-15. Review status: criteria provided, single submitter. Criteria: Ambry Variant Classification Scheme 2023. Collection method: clinical testing. Allele origin: germline.
Comment: The c.340+2T>C intronic variant results from a T to C substitution two nucleotides after coding exon 1 in the VHL gene. This variant was reported in individuals with features consistent with von Hippel-Lindau syndrome (VHL) (Vosecka T et al. Neoplasma, 2017;64:278-282; Ambry internal data). This nucleotide position is highly conserved in available vertebrate species. In silico splice site analysis predicts that this alteration will weaken the native splice donor site and may result in the creation or strengthening of a novel splice donor site. In addition to the clinical data presented in the literature, alterations that disrupt the canonical splice site are expected to cause aberrant splicing, resulting in an abnormal protein or a transcript that is subject to nonsense-mediated mRNA decay. As such, this alteration is classified as likely pathogenic.

MutSpliceDB: a database of splice sites variants effects on splicing, NIH
No classification provided (evidence only). Review status: no classification provided. Collection method: in vitro. Allele origin: not applicable. Functional consequence: retained intron. Not counted in ClinVar's aggregate classification.

Literature cited by the submitters: PubMed 28043156 (cited by Ambry Genetics).

NM_000551.4(VHL):c.340+2T>C

Gene: VHL (von Hippel-Lindau tumor suppressor; plus strand). Cytogenetic location: 3p25.3.
Variant type: single nucleotide variant.
Coding change: c.340+2T>C on transcript NM_000551.4 (MANE Select); the canonical splice donor site of the intron after coding-DNA position 340, T replaced by C.
Molecular consequence: splice donor variant.
Genome position (GRCh38, 1-based): chr3:10,142,189, T>C. VCF-style: chr3-10142189-T-C. GRCh37 (hg19) VCF-style: chr3-10183873-T-C.
Other names: c.340+2T>C (NM_001354723.2, NM_198156.3).
Identifiers: ClinVar variation 635395 (VCV000635395.5), dbSNP rs1407805768, ClinGen allele CA351751382.